The following is an entry in ClinVar:

ClinVar aggregate classification (germline): Likely benign. Review status: criteria provided, multiple submitters, no conflicts (2 of 4 stars). 2 submissions from 2 submitters: Likely benign (2). Last evaluated 2026-01-28.

Allele frequency attached by ClinVar (database versions not stated): gnomAD exomes below 0.00001.

Submissions (2):

Labcorp Genetics (formerly Invitae), Labcorp
Classification: Likely benign. Last evaluated: 2026-01-28. Review status: criteria provided, single submitter. Criteria: Invitae Variant Classification Sherloc (09022015). Collection method: clinical testing. Allele origin: germline.

CeGaT Center for Human Genetics Tuebingen
Classification: Likely benign. Last evaluated: 2024-01-01. Review status: criteria provided, single submitter. Criteria: CeGaT Center For Human Genetics Tuebingen Variant Classification Criteria Version 2. Collection method: clinical testing. Allele origin: germline. Affected: yes. Observed: 1 variant allele.
Comment: RAI1: BP4, BP7

NM_030665.4(RAI1):c.846G>A (p.Gln282=)

Gene: RAI1 (retinoic acid induced 1; plus strand). Cytogenetic location: 17p11.2.
Variant type: single nucleotide variant.
Coding change: c.846G>A on transcript NM_030665.4 (MANE Select); coding-DNA position 846, G replaced by A.
Protein change: p.Gln282=; no amino-acid change (glutamine 282 retained).
Molecular consequence: synonymous variant.
Genome position (GRCh38, 1-based): chr17:17,793,794, G>A. VCF-style: chr17-17793794-G-A. GRCh37 (hg19) VCF-style: chr17-17697108-G-A.
Identifiers: ClinVar variation 1629537 (VCV001629537.30), dbSNP rs998440520, ClinGen allele CA288367383.